The following is an entry in ClinVar:

NM_006180.6(NTRK2):c.429-7C>G

Gene: NTRK2 (neurotrophic receptor tyrosine kinase 2; plus strand). Cytogenetic location: 9q21.33.
Variant type: single nucleotide variant.
Coding change: c.429-7C>G on transcript NM_006180.6 (MANE Select); 7 bases into the intron before coding-DNA position 429, C replaced by G.
Molecular consequence: intron variant.
Genome position (GRCh38, 1-based): chr9:84,710,630, C>G. VCF-style: chr9-84710630-C-G. GRCh37 (hg19) VCF-style: chr9-87325545-C-G.
Other names: c.429-7C>G (NM_001018064.3, NM_001369548.1, NM_001369538.1 and 19 more transcripts); c.-40-7C>G (NM_001369536.1, NM_001369535.1, NM_001369550.1 and 2 more transcripts).
Identifiers: ClinVar variation 2985675 (VCV002985675.4), dbSNP rs199815711, ClinGen allele CA5105507.

ClinVar aggregate classification (germline): Likely benign. Review status: criteria provided, multiple submitters, no conflicts (2 of 4 stars). 2 submissions from 2 submitters: Likely benign (2). Last evaluated 2025-05-28.

Conditions:
NTRK2-related disorder. Also called: NTRK2-related condition.

Allele frequency attached by ClinVar (database versions not stated): ExAC 0.00002; TOPMed 0.00002; ESP Exome Variant Server 0.00008.
gnomAD v4.1: 75 of 1,613,924 alleles (0.0046%); highest among the groups gnomAD compares: Non-Finnish European, 0.0058%; 1 homozygote.

Submissions (2):

PreventionGenetics, part of Exact Sciences
Classification: Likely benign for NTRK2-related condition. Last evaluated: 2025-05-28. Review status: criteria provided, single submitter. Criteria: ACMG Guidelines, 2015. Collection method: clinical testing. Allele origin: germline.
Comment: This variant is classified as likely benign based on ACMG/AMP sequence variant interpretation guidelines (Richards et al. 2015 PMID: 25741868, with internal and published modifications).

Labcorp Genetics (formerly Invitae), Labcorp
Classification: Likely benign. Last evaluated: 2025-03-06. Review status: criteria provided, single submitter. Criteria: Invitae Variant Classification Sherloc (09022015). Collection method: clinical testing. Allele origin: germline.